The following is an entry in ClinVar:

NM_000038.6(APC):c.891A>G (p.Thr297=)

Gene: APC (APC regulator of Wnt signaling pathway; plus strand). Cytogenetic location: 5q22.2.
Variant type: single nucleotide variant.
Coding change: c.891A>G on transcript NM_000038.6 (MANE Select); coding-DNA position 891, A replaced by G.
Protein change: p.Thr297=; no amino-acid change (threonine 297 retained).
Molecular consequence: synonymous variant. On other transcripts: non-coding transcript variant (2).
Genome position (GRCh38, 1-based): chr5:112,815,551, A>G. VCF-style: chr5-112815551-A-G. GRCh37 (hg19) VCF-style: chr5-112151248-A-G.
Other names: c.891A>G (NM_000038.5); c.891A>G, p.Thr297= (NM_001127510.3, NM_001354895.2, NM_001354896.2 and 12 more transcripts); c.837A>G, p.Thr279= (NM_001127511.3); c.921A>G, p.Thr307= (NM_001354897.2, NM_001354902.2, NM_001407446.1); c.816A>G, p.Thr272= (NM_001354898.2, NM_001354904.2, NM_001407451.1); c.807A>G, p.Thr269= (NM_001354899.2, NM_001407452.1, NM_001407467.1 and 1 more transcripts); c.714A>G, p.Thr238= (NM_001354900.2, NM_001354901.2, NM_001354905.2 and 1 more transcripts); c.42A>G, p.Thr14= (NM_001354906.2, NM_001407470.1, NM_001407471.1 and 1 more transcripts).
Identifiers: ClinVar variation 2124543 (VCV002124543.6), dbSNP rs2149763411, ClinGen allele CA445755703.

ClinVar aggregate classification (germline): Conflicting classifications of pathogenicity. Review status: criteria provided, conflicting classifications (1 of 4 stars). 3 submissions from 3 submitters: Uncertain significance (1); Benign (1); Likely benign (1). Last evaluated 2025-08-11.

Conditions:
Familial adenomatous polyposis 1 (FAP1). Also called: POLYPOSIS, ADENOMATOUS INTESTINAL; FAMILIAL ADENOMATOUS POLYPOSIS 1, ATTENUATED. Identifiers: MedGen C2713442, MONDO:0021056, OMIM 175100. Disease mechanism: loss of function.

Allele frequency attached by ClinVar (database versions not stated): gnomAD exomes below 0.00001.
gnomAD v4.1: 1 of 1,612,460 alleles (0.000062%); highest among the groups gnomAD compares: South Asian, 0.0011%; no homozygotes.

Submissions (3):

Labcorp Genetics (formerly Invitae), Labcorp
Classification: Likely benign for Familial adenomatous polyposis 1. Last evaluated: 2025-08-11. Review status: criteria provided, single submitter. Criteria: Invitae Variant Classification Sherloc (09022015). Collection method: clinical testing. Allele origin: germline.

Myriad Genetics, Inc.
Classification: Benign for Familial adenomatous polyposis 1. Last evaluated: 2024-02-27. Review status: criteria provided, single submitter. Criteria: Myriad Autosomal Dominant, Autosomal Recessive and X-Linked Classification Criteria (2023). Collection method: clinical testing. Allele origin: unknown.
Comment: This variant is considered benign. This variant is a silent/synonymous amino acid change and it is not expected to impact splicing.

Quest Diagnostics Nichols Institute San Juan Capistrano
Classification: Uncertain significance. Last evaluated: 2023-10-03. Review status: criteria provided, single submitter. Criteria: Quest Diagnostics criteria. Collection method: clinical testing. Allele origin: unknown.